The following is an entry in ClinVar:

ClinVar aggregate classification (germline): Uncertain significance. Review status: criteria provided, multiple submitters, no conflicts (2 of 4 stars). 3 submissions from 3 submitters: Uncertain significance (3). Last evaluated 2025-12-03.

Conditions:
Neuroblastoma, susceptibility to, 3. Also called: ALK-Related Neuroblastic Tumor Susceptibility. Identifiers: Orphanet 635, MedGen C2751681, MONDO:0013083, OMIM 613014.
Hereditary cancer-predisposing syndrome. Also called: Hereditary neoplastic syndrome; Neoplastic Syndromes, Hereditary; Tumor predisposition; Hereditary Cancer Syndrome. Identifiers: Orphanet 140162, MedGen C0027672, MeSH D009386, MONDO:0015356.

Allele frequency attached by ClinVar (database versions not stated): gnomAD exomes below 0.00001; ExAC 0.00002; TOPMed 0.00002; gnomAD 0.00004.
gnomAD v4.1: 7 of 1,588,848 alleles (0.00044%); highest among the groups gnomAD compares: African/African-American, 0.0013%; no homozygotes.

Submissions (3):

Labcorp Genetics (formerly Invitae), Labcorp
Classification: Uncertain significance for Neuroblastoma, susceptibility to, 3. Last evaluated: 2025-12-03. Review status: criteria provided, single submitter. Criteria: Invitae Variant Classification Sherloc (09022015). Collection method: clinical testing. Allele origin: germline.
Comment: This sequence change replaces lysine, which is basic and polar, with arginine, which is basic and polar, at codon 128 of the ALK protein (p.Lys128Arg). The frequency data for this variant in the population databases is considered unreliable, as metrics indicate poor data quality at this position in the gnomAD database. This variant has not been reported in the literature in individuals affected with ALK-related conditions. ClinVar contains an entry for this variant (Variation ID: 470852). An algorithm developed to predict the effect of missense changes on protein structure and function (PolyPhen-2) suggests that this variant is likely to be disruptive. In summary, the available evidence is currently insufficient to determine the role of this variant in disease. Therefore, it has been classified as a Variant of Uncertain Significance.

Ambry Genetics
Classification: Uncertain significance for Hereditary cancer-predisposing syndrome. Last evaluated: 2024-05-26. Review status: criteria provided, single submitter. Criteria: Ambry Variant Classification Scheme 2023. Collection method: clinical testing. Allele origin: germline.
Comment: The p.K128R variant (also known as c.383A>G), located in coding exon 1 of the ALK gene, results from an A to G substitution at nucleotide position 383. The lysine at codon 128 is replaced by arginine, an amino acid with highly similar properties. This amino acid position is conserved. In addition, the in silico prediction for this alteration is inconclusive. Since supporting evidence is limited at this time, the clinical significance of this alteration remains unclear.

Baylor Genetics
Classification: Uncertain significance for Neuroblastoma, susceptibility to, 3. Last evaluated: 2023-12-02. Review status: criteria provided, single submitter. Criteria: ACMG Guidelines, 2015. Collection method: clinical testing. Allele origin: unknown.

NM_004304.5(ALK):c.383A>G (p.Lys128Arg)

Gene: ALK (ALK receptor tyrosine kinase; minus strand). Cytogenetic location: 2p23.1.
Variant type: single nucleotide variant.
Coding change: c.383A>G on transcript NM_004304.5 (MANE Select); coding-DNA position 383, A replaced by G.
Protein change: p.Lys128Arg; replaces lysine 128 with arginine.
Molecular consequence: missense variant.
Genome position (GRCh38, 1-based): chr2:29,920,277, T>C on the plus strand (A>G on the coding strand, the complement: ALK is on the minus strand). VCF-style: chr2-29920277-T-C. GRCh37 (hg19) VCF-style: chr2-30143143-T-C.
Other names: short protein forms K128R.
Identifiers: ClinVar variation 470852 (VCV000470852.16), dbSNP rs756510939, ClinGen allele CA1594989.